The following is an entry in ClinVar:

ClinVar aggregate classification (germline): Uncertain significance (1 of 4 stars; one submission).

Conditions:
Cardiovascular phenotype. Identifiers: MedGen CN230736.

Allele frequency attached by ClinVar (database versions not stated): gnomAD exomes below 0.00001; ExAC 0.00001; gnomAD 0.00001.
gnomAD v4.1: 7 of 1,614,068 alleles (0.00043%); highest among the groups gnomAD compares: South Asian, 0.0055%; no homozygotes.

Submission:

Ambry Genetics
Classification: Uncertain significance for Cardiovascular phenotype. Last evaluated: 2022-12-29. Review status: criteria provided, single submitter. Criteria: Ambry Variant Classification Scheme 2023. Collection method: clinical testing. Allele origin: germline.
Comment: The p.M2057T variant (also known as c.6170T>C), located in coding exon 45 of the ABCA1 gene, results from a T to C substitution at nucleotide position 6170. The methionine at codon 2057 is replaced by threonine, an amino acid with similar properties. This amino acid position is not well conserved in available vertebrate species. In addition, the in silico prediction for this alteration is inconclusive. Since supporting evidence is limited at this time, the clinical significance of this alteration remains unclear.

NM_005502.4(ABCA1):c.6170T>C (p.Met2057Thr)

Genes: ABCA1 (ATP binding cassette subfamily A member 1; minus strand), NIPSNAP3B (nipsnap homolog 3B; plus strand). Cytogenetic location: 9q31.1.
Variant type: single nucleotide variant.
Coding change: c.6170T>C on transcript NM_005502.4 (MANE Select); coding-DNA position 6170, T replaced by C.
Protein change: p.Met2057Thr; replaces methionine 2057 with threonine.
Molecular consequence: missense variant.
Genome position (GRCh38, 1-based): chr9:104,787,954, A>G on the plus strand (T>C on the coding strand, the complement: ABCA1 is on the minus strand). VCF-style: chr9-104787954-A-G. GRCh37 (hg19) VCF-style: chr9-107550235-A-G.
Other names: short protein forms M2057T.
Identifiers: ClinVar variation 2454039 (VCV002454039.2), dbSNP rs753024806, ClinGen allele CA5167619.